The following is an entry in ClinVar:

ClinVar aggregate classification (germline): Uncertain significance (1 of 4 stars; one submission).

Submission:

Labcorp Genetics (formerly Invitae), Labcorp
Classification: Uncertain significance. Last evaluated: 2025-02-20. Review status: criteria provided, single submitter. Criteria: Invitae Variant Classification Sherloc (09022015). Collection method: clinical testing. Allele origin: germline.
Comment: This sequence change replaces leucine, which is neutral and non-polar, with phenylalanine, which is neutral and non-polar, at codon 274 of the HSD17B3 protein (p.Leu274Phe). This variant also falls at the last nucleotide of exon 10, which is part of the consensus splice site for this exon. This variant is not present in population databases (gnomAD no frequency). This variant has not been reported in the literature in individuals affected with HSD17B3-related conditions. An algorithm developed to predict the effect of missense changes on protein structure and function (PolyPhen-2) suggests that this variant is likely to be disruptive. Variants that disrupt the consensus splice site are a relatively common cause of aberrant splicing (PMID: 17576681, 9536098). Algorithms developed to predict the effect of sequence changes on RNA splicing suggest that this variant may disrupt the consensus splice site. In summary, the available evidence is currently insufficient to determine the role of this variant in disease. Therefore, it has been classified as a Variant of Uncertain Significance.

Literature cited by the submitters: PubMed 17576681; PubMed 9536098.

NM_000197.2(HSD17B3):c.822G>T (p.Leu274Phe)

Genes: HSD17B3 (hydroxysteroid 17-beta dehydrogenase 3; minus strand), SLC35D2-HSD17B3 (SLC35D2-HSD17B3 readthrough; minus strand). Cytogenetic location: 9q22.32.
Variant type: single nucleotide variant.
Coding change: c.822G>T on transcript NM_000197.2 (MANE Select); coding-DNA position 822, G replaced by T.
Protein change: p.Leu274Phe; replaces leucine 274 with phenylalanine.
Molecular consequence: missense variant. On other transcripts: non-coding transcript variant (1).
Genome position (GRCh38, 1-based): chr9:96,240,758, C>A on the plus strand (G>T on the coding strand, the complement: HSD17B3 is on the minus strand). VCF-style: chr9-96240758-C-A. GRCh37 (hg19) VCF-style: chr9-99003040-C-A.
Other names: short protein forms L274F.
Identifiers: ClinVar variation 4764720 (VCV004764720.1).
Genomic context (GRCh38, chr9:96,240,758, plus strand): 5'-CCAGGGCCACCTGCGTGTCCTCCCTCCCTGGCTTCAAGAAAAGGAGAAGTTATCAATTAC[C>A]AAGATTTCATGGGCAAGGCAGCCACAGGTTTCACCTCCAATTGTGACATAATTCAATGAC-3'
Protein context (NP_000188.1, residues 264-284): ETCGCLAHEI[Leu274Phe]AGFLSLIPAW